The following is an entry in ClinVar:

ClinVar aggregate classification (germline): Uncertain significance (1 of 4 stars; one submission).

Allele frequency attached by ClinVar (database versions not stated): TOPMed 0.00001.
gnomAD v4.1: 2 of 1,612,558 alleles (0.00012%); highest among the groups gnomAD compares: African/African-American, 0.0027%; no homozygotes.

Submission:

Labcorp Genetics (formerly Invitae), Labcorp
Classification: Uncertain significance. Last evaluated: 2022-06-09. Review status: criteria provided, single submitter. Criteria: Invitae Variant Classification Sherloc (09022015). Collection method: clinical testing. Allele origin: germline.
Comment: In summary, the available evidence is currently insufficient to determine the role of this variant in disease. Therefore, it has been classified as a Variant of Uncertain Significance. Algorithms developed to predict the effect of sequence changes on RNA splicing suggest that this variant may create or strengthen a splice site. Algorithms developed to predict the effect of missense changes on protein structure and function output the following: SIFT: "Tolerated"; PolyPhen-2: "Benign"; Align-GVGD: "Class C0". The glycine amino acid residue is found in multiple mammalian species, which suggests that this missense change does not adversely affect protein function. This variant has not been reported in the literature in individuals affected with CD46-related conditions. This variant is present in population databases (no rsID available, gnomAD 0.01%). This sequence change replaces aspartic acid, which is acidic and polar, with glycine, which is neutral and non-polar, at codon 343 of the CD46 protein (p.Asp343Gly).

NM_172351.3(CD46):c.983A>G (p.Asp328Gly)

Gene: CD46 (CD46 molecule; plus strand). Cytogenetic location: 1q32.2.
Variant type: single nucleotide variant.
Coding change: c.983A>G on transcript NM_172351.3 (MANE Select); coding-DNA position 983, A replaced by G.
Protein change: p.Asp328Gly; replaces aspartic acid 328 with glycine.
Molecular consequence: missense variant.
Genome position (GRCh38, 1-based): chr1:207,785,071, A>G. VCF-style: chr1-207785071-A-G. GRCh37 (hg19) VCF-style: chr1-207958416-A-G.
Other names: c.1028A>G, p.Asp343Gly (NM_002389.4, NM_172359.3); c.983A>G, p.Asp328Gly (NM_153826.4, NM_172358.3); c.938A>G, p.Asp313Gly (NM_172350.3, NM_172352.3, NM_172353.3); c.941A>G, p.Asp314Gly (NM_172355.3, NM_172356.3); c.896A>G, p.Asp299Gly (NM_172357.3, NM_172361.3); short protein forms D299G, D314G, D328G, D313G, D343G.
Identifiers: ClinVar variation 2004128 (VCV002004128.4), dbSNP rs1230304944, ClinGen allele CA344552716.
Genomic context (GRCh38, chr1:207,785,071, plus strand): 5'-GAAATAAATGCTATCTGGAGATCCATGTGTTCAACATCTTGGAACTGTTTTCTTTCTCAG[A>G]TGTTTGGGTCATTGCTGTGATTGTTATTGCCATAGGTAAGTATCACAAATTTTGACACCA-3'
Protein context (NP_758861.1, residues 318-338): KPEEGILDSL[Asp328Gly]VWVIAVIVIA